The following is an entry in ClinVar:

NM_017780.4(CHD7):c.2371C>T (p.Gln791Ter)

Gene: CHD7 (chromodomain helicase DNA binding protein 7; plus strand). Cytogenetic location: 8q12.2.
Variant type: single nucleotide variant.
Coding change: c.2371C>T on transcript NM_017780.4 (MANE Select); coding-DNA position 2371, C replaced by T.
Protein change: p.Gln791Ter; replaces glutamine 791 with a stop codon.
Molecular consequence: nonsense. On other transcripts: intron variant (1).
Genome position (GRCh38, 1-based): chr8:60,800,520, C>T. VCF-style: chr8-60800520-C-T. GRCh37 (hg19) VCF-style: chr8-61713079-C-T.
Other names: c.1716+19470C>T (NM_001316690.1); short protein forms Q791*.
Identifiers: ClinVar variation 3338889 (VCV003338889.1).

ClinVar aggregate classification (germline): Pathogenic (1 of 4 stars; one submission).

Submission:

GeneDx
Classification: Pathogenic. Last evaluated: 2023-11-15. Review status: criteria provided, single submitter. Criteria: GeneDx Variant Classification Process June 2021. Collection method: clinical testing. Allele origin: germline. Affected: yes.
Comment: Nonsense variant predicted to result in protein truncation or nonsense mediated decay in a gene for which loss of function is a known mechanism of disease; Not observed at significant frequency in large population cohorts (gnomAD); Has not been previously published as pathogenic or benign to our knowledge